The following is an entry in ClinVar:

ClinVar aggregate classification (germline): Uncertain significance (1 of 4 stars; one submission).

Conditions:
Generalized epilepsy-paroxysmal dyskinesia syndrome (PNKD3). Also called: Generalized epilepsy and paroxysmal dyskinesia; Paroxysmal nonkinesigenic dyskinesia, 3, with or without generalized epilepsy. Identifiers: Orphanet 79137, MedGen C5574945, MONDO:0012276, OMIM 609446.

Submission:

Labcorp Genetics (formerly Invitae), Labcorp
Classification: Uncertain significance for Generalized epilepsy-paroxysmal dyskinesia syndrome. Last evaluated: 2026-01-20. Review status: criteria provided, single submitter. Criteria: Invitae Variant Classification Sherloc (09022015). Collection method: clinical testing. Allele origin: germline.
Comment: This variant, c.132_137dup, results in the insertion of 2 amino acid(s) of the KCNMA1 protein (p.Ser59_Ser60dup), but otherwise preserves the integrity of the reading frame. The frequency data for this variant in the population databases is considered unreliable, as metrics indicate poor data quality at this position in the gnomAD database. This variant has not been reported in the literature in individuals affected with KCNMA1-related conditions. ClinVar contains an entry for this variant (Variation ID: 938883). Experimental studies and prediction algorithms are not available or were not evaluated, and the functional significance of this variant is currently unknown. In summary, the available evidence is currently insufficient to determine the role of this variant in disease. Therefore, it has been classified as a Variant of Uncertain Significance.

NM_001161352.2(KCNMA1):c.117CTC[9] (p.Ser59_Ser60dup)

Gene: KCNMA1 (potassium calcium-activated channel subfamily M alpha 1; minus strand). Cytogenetic location: 10q22.3.
Variant type: Microsatellite.
Coding change: c.117CTC[9] on transcript NM_001161352.2 (MANE Select); nine copies in a row of the 3-base unit CTC starting at c.117; the reference has seven copies in a row; two copies, 6 bases duplicated.
Protein change: p.Ser59_Ser60dup.
Molecular consequence: inframe insertion.
Genome position (GRCh38, 1-based): chr10:77,637,506-77,637,511, GAGGAG duplicated on the plus strand (CTCCTC on the coding strand, the reverse complement: KCNMA1 is on the minus strand); duplicating any 6 consecutive bases within chr10:77,637,506-77,637,528 gives the same sequence; the position shown is the placement nearest the transcript's 3' end. VCF-style (leftmost placement, unchanged base first): chr10-77637505-A-AGAGGAG. GRCh37 (hg19) VCF-style: chr10-79397263-A-AGAGGAG.
Other names: c.117CTC[9], p.Ser59_Ser60dup (NM_001014797.3, NM_001161353.2, NM_001271518.2 and 12 more transcripts).
Identifiers: ClinVar variation 938883 (VCV000938883.8), dbSNP rs572827902, ClinGen allele CA5568803.